The following is an entry in ClinVar:

NM_015151.4(DIP2A):c.4698T>C (p.Tyr1566=)

Gene: DIP2A (disco interacting protein 2 homolog A; plus strand). Cytogenetic location: 21q22.3.
Variant type: single nucleotide variant.
Coding change: c.4698T>C on transcript NM_015151.4 (MANE Select); coding-DNA position 4698, T replaced by C.
Protein change: p.Tyr1566=; no amino-acid change (tyrosine 1566 retained).
Molecular consequence: synonymous variant.
Genome position (GRCh38, 1-based): chr21:46,567,604, T>C. VCF-style: chr21-46567604-T-C. GRCh37 (hg19) VCF-style: chr21-47987517-T-C.
Other names: c.4686T>C, p.Tyr1562= (NM_001146116.2); c.4701T>C, p.Tyr1567= (NM_001353942.2); c.4698T>C, p.Tyr1566= (NM_001353943.2); c.4728T>C, p.Tyr1576= (NM_001410751.1).
Identifiers: ClinVar variation 3035031 (VCV003035031.2), dbSNP rs201440461, ClinGen allele CA10083238.

ClinVar aggregate classification (germline): Likely benign (0 of 4 stars; one submission).

Conditions:
DIP2A-related disorder. Also called: DIP2A-related condition.

Allele frequency attached by ClinVar (database versions not stated): ExAC 0.00048; gnomAD 0.00077; TOPMed 0.00095; ESP Exome Variant Server 0.00115; gnomAD exomes 0.00129.

Submission:

PreventionGenetics, part of Exact Sciences
Classification: Likely benign for DIP2A-related condition. Last evaluated: 2019-08-07. Review status: no assertion criteria provided. Collection method: clinical testing. Allele origin: germline.
Comment: This variant is classified as likely benign based on ACMG/AMP sequence variant interpretation guidelines (Richards et al. 2015 PMID: 25741868, with internal and published modifications).